The following is an entry in ClinVar:

ClinVar aggregate classification (germline): Uncertain significance (1 of 4 stars; one submission).

Conditions:
SEMA7A-related disorder. Also called: SEMA7A-related condition.

gnomAD v4.1: 2 of 1,614,200 alleles (0.00012%); highest among the groups gnomAD compares: Non-Finnish European, 0.00017%; no homozygotes.

Submission:

PreventionGenetics, part of Exact Sciences
Classification: Uncertain significance for SEMA7A-related condition. Last evaluated: 2026-03-24. Review status: criteria provided, single submitter. Criteria: ACMG Guidelines, 2015. Collection method: clinical testing. Allele origin: germline.
Comment: The SEMA7A c.1750G>C variant is predicted to result in the amino acid substitution p.Glu584Gln. To our knowledge, this variant has not been reported in the literature or in a large population database (gnomAD), indicating this variant is rare. At this time, the clinical significance of this variant is uncertain due to the absence of conclusive functional and genetic evidence.

NM_003612.5(SEMA7A):c.1750G>C (p.Glu584Gln)

Gene: SEMA7A (semaphorin 7A (JohnMiltonHagen blood group); minus strand). Cytogenetic location: 15q24.1.
Variant type: single nucleotide variant.
Coding change: c.1750G>C on transcript NM_003612.5 (MANE Select); coding-DNA position 1750, G replaced by C.
Protein change: p.Glu584Gln; replaces glutamic acid 584 with glutamine.
Molecular consequence: missense variant.
Genome position (GRCh38, 1-based): chr15:74,410,875, C>G on the plus strand (G>C on the coding strand, the complement: SEMA7A is on the minus strand). VCF-style: chr15-74410875-C-G. GRCh37 (hg19) VCF-style: chr15-74703216-C-G.
Other names: c.1708G>C, p.Glu570Gln (NM_001146029.3); c.1255G>C, p.Glu419Gln (NM_001146030.3); short protein forms E584Q, E419Q, E570Q.
Identifiers: ClinVar variation 4979058 (VCV004979058.1).